The following is an entry in ClinVar:

ClinVar aggregate classification (germline): Uncertain significance (1 of 4 stars; one submission).

Conditions:
KMT2D-related disorder. Also called: KMT2D-Related Disorders.

Submission:

PreventionGenetics, part of Exact Sciences
Classification: Uncertain significance for KMT2D-related condition. Last evaluated: 2026-07-06. Review status: criteria provided, single submitter. Criteria: ACMG Guidelines, 2015. Collection method: clinical testing. Allele origin: germline.
Comment: The KMT2D c.5738G>A variant is predicted to result in the amino acid substitution p.Gly1913Asp. To our knowledge, this variant has not been reported in the literature or in a large population database (gnomAD), indicating this variant is rare. At this time, the clinical significance of this variant is uncertain due to the absence of conclusive functional and genetic evidence.

NM_003482.4(KMT2D):c.5738G>A (p.Gly1913Asp)

Gene: KMT2D (lysine methyltransferase 2D; minus strand). Cytogenetic location: 12q13.12.
Variant type: single nucleotide variant.
Coding change: c.5738G>A on transcript NM_003482.4 (MANE Select); coding-DNA position 5738, G replaced by A.
Protein change: p.Gly1913Asp; replaces glycine 1913 with aspartic acid.
Molecular consequence: missense variant.
Genome position (GRCh38, 1-based): chr12:49,042,785, C>T on the plus strand (G>A on the coding strand, the complement: KMT2D is on the minus strand). VCF-style: chr12-49042785-C-T. GRCh37 (hg19) VCF-style: chr12-49436568-C-T.
Other names: short protein forms G1913D.
Identifiers: ClinVar variation 4995514 (VCV004995514.1).